The following is an entry in ClinVar:

NM_005188.4(CBL):c.1616T>C (p.Leu539Pro)

Gene: CBL (Cbl proto-oncogene; plus strand). Cytogenetic location: 11q23.3.
Variant type: single nucleotide variant.
Coding change: c.1616T>C on transcript NM_005188.4 (MANE Select); coding-DNA position 1616, T replaced by C.
Protein change: p.Leu539Pro; replaces leucine 539 with proline.
Molecular consequence: missense variant.
Genome position (GRCh38, 1-based): chr11:119,285,241, T>C. VCF-style: chr11-119285241-T-C. GRCh37 (hg19) VCF-style: chr11-119155951-T-C.
Other names: short protein forms L539P.
Identifiers: ClinVar variation 1776501 (VCV001776501.3), dbSNP rs1565874210, ClinGen allele CA382919206.
Genomic context (GRCh38, chr11:119,285,241, plus strand): 5'-TTCCACAGGCTGCTTCTGGCTCCCTTCATAAAGACAAACCATTGCCAGTACCTCCCACAC[T>C]TCGAGATCTTCCACCACCACCGCCTCCAGACCGGCCATATTCTGTTGGAGCAGAATCCCG-3'
Protein context (NP_005179.2, residues 529-549): KDKPLPVPPT[Leu539Pro]RDLPPPPPPD

ClinVar aggregate classification (germline): Uncertain significance. Review status: criteria provided, multiple submitters, no conflicts (2 of 4 stars). 2 submissions from 2 submitters: Uncertain significance (2). Last evaluated 2024-12-16.

Conditions:
Cardiovascular phenotype. Identifiers: MedGen CN230736.

Allele frequency attached by ClinVar (database versions not stated): gnomAD 0.00001; gnomAD exomes 0.00001.
gnomAD v4.1: 8 of 1,613,912 alleles (0.0005%); highest among the groups gnomAD compares: South Asian, 0.0088%; no homozygotes.

Submissions (2):

Women's Health and Genetics/Laboratory Corporation of America, LabCorp
Classification: Uncertain significance. Last evaluated: 2024-12-16. Review status: criteria provided, single submitter. Criteria: LabCorp Variant Classification Summary - May 2015. Collection method: clinical testing. Allele origin: germline.

Ambry Genetics
Classification: Uncertain significance for Cardiovascular phenotype. Last evaluated: 2022-09-13. Review status: criteria provided, single submitter. Criteria: Ambry Variant Classification Scheme 2023. Collection method: clinical testing. Allele origin: germline.
Comment: The p.L539P variant (also known as c.1616T>C), located in coding exon 11 of the CBL gene, results from a T to C substitution at nucleotide position 1616. The leucine at codon 539 is replaced by proline, an amino acid with similar properties. This amino acid position is conserved. In addition, the in silico prediction for this alteration is inconclusive. Since supporting evidence is limited at this time, the clinical significance of this alteration remains unclear.